The following is an entry in ClinVar:

NM_000245.4(MET):c.1180C>A (p.His394Asn)

Gene: MET (MET proto-oncogene, receptor tyrosine kinase; plus strand). Cytogenetic location: 7q31.2.
Variant type: single nucleotide variant.
Coding change: c.1180C>A on transcript NM_000245.4 (MANE Select); coding-DNA position 1180, C replaced by A.
Protein change: p.His394Asn; replaces histidine 394 with asparagine.
Molecular consequence: missense variant. On other transcripts: intron variant (1).
Genome position (GRCh38, 1-based): chr7:116,700,264, C>A. VCF-style: chr7-116700264-C-A. GRCh37 (hg19) VCF-style: chr7-116340318-C-A.
Other names: c.1180C>A, p.His394Asn (NM_001127500.3, NM_001324401.3); c.-91+27687C>A (NM_001324402.2); short protein forms H394N.
Identifiers: ClinVar variation 41612 (VCV000041612.12), dbSNP rs201628326, ClinGen allele CA215616.
Genomic context (GRCh38, chr7:116,700,264, plus strand): 5'-TTCAACAAGATCGTCAACAAAAACAATGTGAGATGTCTCCAGCATTTTTACGGACCCAAT[C>A]ATGAGCACTGCTTTAATAGGGTAAGTCACATCAGTTCCCCACTTATAAACTGTGAGGTAT-3'
Protein context (NP_000236.2, residues 384-404): RCLQHFYGPN[His394Asn]EHCFNRTLLR

ClinVar aggregate classification (germline): Conflicting classifications of pathogenicity. Review status: criteria provided, conflicting classifications (1 of 4 stars). 3 submissions from 3 submitters: Uncertain significance (1); Likely benign (1). 1 of the submissions does not count toward it. Last evaluated 2026-05-13.

Conditions:
Renal cell carcinoma. Identifiers: Orphanet 217071, MedGen C0007134, MeSH D002292, MONDO:0005086, HP:0005584.
Hereditary cancer-predisposing syndrome. Also called: Neoplastic Syndromes, Hereditary; Hereditary neoplastic syndrome; Tumor predisposition; Hereditary Cancer Syndrome. Identifiers: Orphanet 140162, MedGen C0027672, MeSH D009386, MONDO:0015356.

Allele frequency attached by ClinVar (database versions not stated): gnomAD exomes below 0.00001.
gnomAD v4.1: 1 of 1,603,508 alleles (0.000062%); no homozygotes.

Submissions (3):

Ambry Genetics
Classification: Likely benign for Hereditary cancer-predisposing syndrome. Last evaluated: 2026-05-13. Review status: criteria provided, single submitter. Criteria: Ambry Variant Classification Scheme 2023. Collection method: clinical testing. Allele origin: germline.

Labcorp Genetics (formerly Invitae), Labcorp
Classification: Uncertain significance for Renal cell carcinoma. Last evaluated: 2026-01-20. Review status: criteria provided, single submitter. Criteria: Invitae Variant Classification Sherloc (09022015). Collection method: clinical testing. Allele origin: germline.
Comment: This sequence change replaces histidine, which is basic and polar, with asparagine, which is neutral and polar, at codon 394 of the MET protein (p.His394Asn). This variant is not present in population databases (gnomAD no frequency). This variant has not been reported in the literature in individuals affected with MET-related conditions. ClinVar contains an entry for this variant (Variation ID: 41612). An algorithm developed to predict the effect of missense changes on protein structure and function (PolyPhen-2) suggests that this variant is likely to be disruptive. In summary, the available evidence is currently insufficient to determine the role of this variant in disease. Therefore, it has been classified as a Variant of Uncertain Significance.

Biesecker Lab/Clinical Genomics Section, National Institutes of Health
Classification: Uncertain significance. Last evaluated: 2012-07-13. Review status: no assertion criteria provided. Collection method: research. Allele origin: germline. Affected: no. Observed: 1 variant allele. Study: ClinSeq. Not counted in ClinVar's aggregate classification.
ClinVar note: Converted during submission from variant of unknown significance to Uncertain significance.